The following is an entry in ClinVar:

NM_003388.5(CLIP2):c.679-5G>A

Gene: CLIP2 (CAP-Gly domain containing linker protein 2; plus strand). Cytogenetic location: 7q11.23.
Variant type: single nucleotide variant.
Coding change: c.679-5G>A on transcript NM_003388.5 (MANE Select); 5 bases into the intron before coding-DNA position 679, G replaced by A.
Molecular consequence: intron variant.
Genome position (GRCh38, 1-based): chr7:74,353,875, G>A. VCF-style: chr7-74353875-G-A. GRCh37 (hg19) VCF-style: chr7-73768205-G-A.
Other names: c.679-5G>A (NM_032421.3).
Identifiers: ClinVar variation 2657589 (VCV002657589.24), dbSNP rs781909058, ClinGen allele CA4295521.

ClinVar aggregate classification (germline): Likely benign (1 of 4 stars; one submission).

Allele frequency attached by ClinVar (database versions not stated): ExAC 0.00002; gnomAD 0.00003; TOPMed 0.00003.
gnomAD v4.1: 77 of 1,614,022 alleles (0.0048%); highest among the groups gnomAD compares: Non-Finnish European, 0.0064%; no homozygotes.

Submission:

CeGaT Center for Human Genetics Tuebingen
Classification: Likely benign. Last evaluated: 2022-03-01. Review status: criteria provided, single submitter. Criteria: CeGaT Center For Human Genetics Tuebingen Variant Classification Criteria Version 2. Collection method: clinical testing. Allele origin: germline. Affected: yes. Observed: 1 variant allele.
Comment: CLIP2: BP4